The following is an entry in ClinVar:

ClinVar aggregate classification (germline): Uncertain significance. Review status: criteria provided, multiple submitters, no conflicts (2 of 4 stars). 2 submissions from 2 submitters: Uncertain significance (2). Last evaluated 2025-12-02.

Allele frequency attached by ClinVar (database versions not stated): gnomAD exomes below 0.00001.
gnomAD v4.1: 5 of 1,614,132 alleles (0.00031%); highest among the groups gnomAD compares: Non-Finnish European, 0.00025%; no homozygotes.

Submissions (2):

Ambry Genetics
Classification: Uncertain significance. Last evaluated: 2025-12-02. Review status: criteria provided, single submitter. Criteria: Ambry Variant Classification Scheme 2023. Collection method: clinical testing. Allele origin: germline.

Labcorp Genetics (formerly Invitae), Labcorp
Classification: Uncertain significance. Last evaluated: 2024-04-22. Review status: criteria provided, single submitter. Criteria: Invitae Variant Classification Sherloc (09022015). Collection method: clinical testing. Allele origin: germline.
Comment: This sequence change replaces arginine, which is basic and polar, with tryptophan, which is neutral and slightly polar, at codon 818 of the PITPNM3 protein (p.Arg818Trp). This variant is present in population databases (no rsID available, gnomAD 0.0009%). This variant has not been reported in the literature in individuals affected with PITPNM3-related conditions. Advanced modeling of protein sequence and biophysical properties (such as structural, functional, and spatial information, amino acid conservation, physicochemical variation, residue mobility, and thermodynamic stability) has been performed at Invitae for this missense variant, however the output from this modeling did not meet the statistical confidence thresholds required to predict the impact of this variant on PITPNM3 protein function. In summary, the available evidence is currently insufficient to determine the role of this variant in disease. Therefore, it has been classified as a Variant of Uncertain Significance.

NM_031220.4(PITPNM3):c.2452C>T (p.Arg818Trp)

Gene: PITPNM3 (PITPNM family member 3; minus strand). Cytogenetic location: 17p13.2.
Variant type: single nucleotide variant.
Coding change: c.2452C>T on transcript NM_031220.4 (MANE Select); coding-DNA position 2452, C replaced by T.
Protein change: p.Arg818Trp; replaces arginine 818 with tryptophan.
Molecular consequence: missense variant.
Genome position (GRCh38, 1-based): chr17:6,461,411, G>A on the plus strand (C>T on the coding strand, the complement: PITPNM3 is on the minus strand). VCF-style: chr17-6461411-G-A. GRCh37 (hg19) VCF-style: chr17-6364731-G-A.
Other names: c.2452C>T (NM_031220.3); c.2344C>T, p.Arg782Trp (NM_001165966.2); short protein forms R782W, R818W.
Identifiers: ClinVar variation 2879046 (VCV002879046.4), dbSNP rs1459384243, ClinGen allele CA397401807.